The following is an entry in ClinVar:

NM_020987.5(ANK3):c.5531C>T (p.Ser1844Leu)

Gene: ANK3 (ankyrin 3; minus strand). Cytogenetic location: 10q21.2.
Variant type: single nucleotide variant.
Coding change: c.5531C>T on transcript NM_020987.5 (MANE Select); coding-DNA position 5531, C replaced by T.
Protein change: p.Ser1844Leu; replaces serine 1844 with leucine.
Molecular consequence: missense variant. On other transcripts: intron variant (4).
Genome position (GRCh38, 1-based): chr10:60,075,350, G>A on the plus strand (C>T on the coding strand, the complement: ANK3 is on the minus strand). VCF-style: chr10-60075350-G-A. GRCh37 (hg19) VCF-style: chr10-61835108-G-A.
Other names: c.4387+5187C>T (NM_001204403.2); c.4408+5187C>T (NM_001204404.2); c.4405+5187C>T (NM_001320874.2); c.1807+5187C>T (NM_001149.4); short protein forms S1844L.
Identifiers: ClinVar variation 2135676 (VCV002135676.4), dbSNP rs2083544667, ClinGen allele CA377015357.

ClinVar aggregate classification (germline): Uncertain significance (1 of 4 stars; one submission).

Allele frequency attached by ClinVar (database versions not stated): gnomAD exomes below 0.00001.
gnomAD v4.1: 2 of 1,614,128 alleles (0.00012%); highest among the groups gnomAD compares: East Asian, 0.0045%; no homozygotes.

Submission:

Labcorp Genetics (formerly Invitae), Labcorp
Classification: Uncertain significance. Last evaluated: 2022-05-08. Review status: criteria provided, single submitter. Criteria: Invitae Variant Classification Sherloc (09022015). Collection method: clinical testing. Allele origin: germline.
Comment: This sequence change replaces serine, which is neutral and polar, with leucine, which is neutral and non-polar, at codon 1844 of the ANK3 protein (p.Ser1844Leu). This variant is not present in population databases (gnomAD no frequency). This variant has not been reported in the literature in individuals affected with ANK3-related conditions. Algorithms developed to predict the effect of missense changes on protein structure and function are either unavailable or do not agree on the potential impact of this missense change (SIFT: "Not Available"; PolyPhen-2: "Probably Damaging"; Align-GVGD: "Not Available"). In summary, the available evidence is currently insufficient to determine the role of this variant in disease. Therefore, it has been classified as a Variant of Uncertain Significance.